The following is an entry in ClinVar:

NM_000540.3(RYR1):c.3679A>G (p.Ile1227Val)

Gene: RYR1 (ryanodine receptor 1; plus strand). Cytogenetic location: 19q13.2.
Variant type: single nucleotide variant.
Coding change: c.3679A>G on transcript NM_000540.3 (MANE Select); coding-DNA position 3679, A replaced by G.
Protein change: p.Ile1227Val; replaces isoleucine 1227 with valine.
Molecular consequence: missense variant.
Genome position (GRCh38, 1-based): chr19:38,469,427, A>G. VCF-style: chr19-38469427-A-G. GRCh37 (hg19) VCF-style: chr19-38960067-A-G.
Other names: c.3679A>G, p.Ile1227Val (NM_001042723.2); short protein forms I1227V.
Identifiers: ClinVar variation 983142 (VCV000983142.8), dbSNP rs746166976, ClinGen allele CA065088.

ClinVar aggregate classification (germline): Uncertain significance. Review status: criteria provided, multiple submitters, no conflicts (2 of 4 stars). 5 submissions from 5 submitters: Uncertain significance (5). Last evaluated 2025-06-24.

Conditions:
Malignant hyperthermia, susceptibility to, 1 (MHS1). Also called: RYR1-Related Malignant Hyperthermia Susceptibility; Malignant hyperthermia suceptibility 1; Anesthesia related hyperthermia; Malignant hyperpyrexia; Fulminating hyperpyrexia; Pharmacogenic myopathy. Identifiers: Orphanet 423, MedGen C2930980, MONDO:0007783, OMIM 145600.
RYR1-related disorder. Also called: RYR1-related condition; RYR1-related disorders. Identifiers: MedGen CN239331.

Allele frequency attached by ClinVar (database versions not stated): gnomAD exomes below 0.00001 and 0.00001; TOPMed below 0.00001; ExAC 0.00001; gnomAD 0.00001.
gnomAD v4.1: 7 of 1,613,982 alleles (0.00043%); highest among the groups gnomAD compares: South Asian, 0.0022%; no homozygotes.

Submissions (5):

GeneDx
Classification: Uncertain significance. Last evaluated: 2025-06-24. Review status: criteria provided, single submitter. Criteria: GeneDx Variant Classification Process June 2021. Collection method: clinical testing. Allele origin: germline. Affected: yes.
Comment: Not observed at significant frequency in large population cohorts (gnomAD); In silico analysis suggests that this missense variant does not alter protein structure/function; This variant is associated with the following publications: (PMID: 30325262)

Color Diagnostics, LLC DBA Color Health
Classification: Uncertain significance for Malignant hyperthermia, susceptibility to, 1. Last evaluated: 2025-05-29. Review status: criteria provided, single submitter. Criteria: ACMG Guidelines, 2015. Collection method: clinical testing. Allele origin: germline.
Comment: This missense variant replaces isoleucine with valine at codon 1227 of the RYR1 protein. Computational prediction suggests that this variant may not impact protein structure and function. To our knowledge, functional studies have not been reported for this variant. This variant has been reported in an individual with myopathy (PMID: 30325262) and has not been reported in association with autosomal dominant malignant hyperthermia. This variant has been identified in 3/251368 chromosomes in the general population by the Genome Aggregation Database (gnomAD). Due to insufficient evidence, this variant is classified as a Variant of Uncertain Significance for autosomal dominant malignant hyperthermia.

Labcorp Genetics (formerly Invitae), Labcorp
Classification: Uncertain significance for RYR1-related disorder. Last evaluated: 2024-01-27. Review status: criteria provided, single submitter. Criteria: Invitae Variant Classification Sherloc (09022015). Collection method: clinical testing. Allele origin: germline.
Comment: This sequence change replaces isoleucine, which is neutral and non-polar, with valine, which is neutral and non-polar, at codon 1227 of the RYR1 protein (p.Ile1227Val). This variant is present in population databases (rs746166976, gnomAD 0.003%). This missense change has been observed in individual(s) with clinical features of RYR1-related conditions (PMID: 30325262). ClinVar contains an entry for this variant (Variation ID: 983142). Advanced modeling of protein sequence and biophysical properties (such as structural, functional, and spatial information, amino acid conservation, physicochemical variation, residue mobility, and thermodynamic stability) performed at Invitae indicates that this missense variant is not expected to disrupt RYR1 protein function with a negative predictive value of 95%. In summary, the available evidence is currently insufficient to determine the role of this variant in disease. Therefore, it has been classified as a Variant of Uncertain Significance.

All of Us Research Program, National Institutes of Health
Classification: Uncertain significance for Malignant hyperthermia, susceptibility to, 1. Last evaluated: 2023-08-15. Review status: criteria provided, single submitter. Criteria: ACMG Guidelines, 2015. Collection method: clinical testing. Allele origin: germline. Inheritance: Autosomal dominant inheritance. Observed: 1 variant allele, 1 heterozygote.
Comment: This study involves interpretation of variants in research participants for the purpose of population health screening. Participant phenotype was not available at the time of variant classification. Additional details can be found in publication PMID: 35346344, PMCID: PMC8962531

Institute of Human Genetics, University of Leipzig Medical Center
Classification: Uncertain significance for Malignant hyperthermia, susceptibility to, 1. Last evaluated: 2019-01-01. Review status: criteria provided, single submitter. Criteria: ACMG Guidelines, 2015. Collection method: clinical testing. Allele origin: unknown. Affected: yes.

Literature cited by the submitters: PubMed 30325262 (cited by Color Diagnostics, LLC DBA Color Health and Labcorp Genetics (formerly Invitae), Labcorp).